The following is an entry in ClinVar:

NM_020699.4(GATAD2B):c.368C>G (p.Pro123Arg)

Gene: GATAD2B (GATA zinc finger domain containing 2B; minus strand). Cytogenetic location: 1q21.3.
Variant type: single nucleotide variant.
Coding change: c.368C>G on transcript NM_020699.4 (MANE Select); coding-DNA position 368, C replaced by G.
Protein change: p.Pro123Arg; replaces proline 123 with arginine.
Molecular consequence: missense variant.
Genome position (GRCh38, 1-based): chr1:153,819,703, G>C on the plus strand (C>G on the coding strand, the complement: GATAD2B is on the minus strand). VCF-style: chr1-153819703-G-C. GRCh37 (hg19) VCF-style: chr1-153792179-G-C.
Other names: short protein forms P123R.
Identifiers: ClinVar variation 3900845 (VCV003900845.1).

ClinVar aggregate classification (germline): Uncertain significance (1 of 4 stars; one submission).

Submission:

GeneDx
Classification: Uncertain significance. Last evaluated: 2024-11-27. Review status: criteria provided, single submitter. Criteria: GeneDx Variant Classification Process June 2021. Collection method: clinical testing. Allele origin: germline. Affected: yes.
Comment: Not observed at significant frequency in large population cohorts (gnomAD); In silico analysis supports that this missense variant has a deleterious effect on protein structure/function; Has not been previously published as pathogenic or benign to our knowledge